The following is an entry in ClinVar:

NM_021008.4(DEAF1):c.1643T>A (p.Val548Asp)

Gene: DEAF1 (DEAF1 transcription factor; minus strand). Cytogenetic location: 11p15.5.
Variant type: single nucleotide variant.
Coding change: c.1643T>A on transcript NM_021008.4 (MANE Select); coding-DNA position 1643, T replaced by A.
Protein change: p.Val548Asp; replaces valine 548 with aspartic acid.
Molecular consequence: missense variant.
Genome position (GRCh38, 1-based): chr11:644,605, A>T on the plus strand (T>A on the coding strand, the complement: DEAF1 is on the minus strand). VCF-style: chr11-644605-A-T. GRCh37 (hg19) VCF-style: chr11-644605-A-T.
Other names: c.1418T>A, p.Val473Asp (NM_001293634.2); c.917T>A, p.Val306Asp (NM_001367390.1); short protein forms V306D, V473D, V548D.
Identifiers: ClinVar variation 1370947 (VCV001370947.8), dbSNP rs2133262184, ClinGen allele CA379012299.

ClinVar aggregate classification (germline): Uncertain significance (1 of 4 stars; one submission).

Submission:

Labcorp Genetics (formerly Invitae), Labcorp
Classification: Uncertain significance. Last evaluated: 2024-01-24. Review status: criteria provided, single submitter. Criteria: Invitae Variant Classification Sherloc (09022015). Collection method: clinical testing. Allele origin: germline.
Comment: This sequence change replaces valine, which is neutral and non-polar, with aspartic acid, which is acidic and polar, at codon 548 of the DEAF1 protein (p.Val548Asp). This variant is not present in population databases (gnomAD no frequency). This variant has not been reported in the literature in individuals affected with DEAF1-related conditions. ClinVar contains an entry for this variant (Variation ID: 1370947). Advanced modeling of protein sequence and biophysical properties (such as structural, functional, and spatial information, amino acid conservation, physicochemical variation, residue mobility, and thermodynamic stability) has been performed at Invitae for this missense variant, however the output from this modeling did not meet the statistical confidence thresholds required to predict the impact of this variant on DEAF1 protein function. In summary, the available evidence is currently insufficient to determine the role of this variant in disease. Therefore, it has been classified as a Variant of Uncertain Significance.